The following is an entry in ClinVar:

ClinVar aggregate classification (germline): Likely benign. Review status: criteria provided, single submitter (1 of 4 stars). 2 submissions from 2 submitters: Likely benign (1). 1 of the submissions does not count toward it. Last evaluated 2025-11-16.

Conditions:
ADGRV1-related disorder. Also called: ADGRV1-related condition; ADGRV1-related disorders.

Allele frequency attached by ClinVar (database versions not stated): gnomAD 0.00001; gnomAD exomes 0.00001 and 0.00005; TOPMed below 0.00001; ExAC 0.00002.
gnomAD v4.1: 19 of 1,613,796 alleles (0.0012%); highest among the groups gnomAD compares: East Asian, 0.018%; 2 homozygotes.

Submissions (2):

Labcorp Genetics (formerly Invitae), Labcorp
Classification: Likely benign. Last evaluated: 2025-11-16. Review status: criteria provided, single submitter. Criteria: Invitae Variant Classification Sherloc (09022015). Collection method: clinical testing. Allele origin: germline.

PreventionGenetics, part of Exact Sciences
Classification: Uncertain significance for ADGRV1-related condition. Last evaluated: 2024-09-10. Review status: no assertion criteria provided. Collection method: clinical testing. Allele origin: germline. Not counted in ClinVar's aggregate classification.
Comment: The ADGRV1 c.7705G>A variant is predicted to result in the amino acid substitution p.Val2569Ile. This variant was reported, along with c.12082G>A, in an individual with early infantile epileptic encephalopathy; segregation analysis was not performed (supplementary data, Sun et al. 2021. PubMed ID: 34055682). This variant is reported in 0.028% of alleles in individuals of East Asian descent in gnomAD. At this time, the clinical significance of this variant is uncertain due to the absence of conclusive functional and genetic evidence.

NM_032119.4(ADGRV1):c.7705G>A (p.Val2569Ile)

Gene: ADGRV1 (adhesion G protein-coupled receptor V1; plus strand). Cytogenetic location: 5q14.3.
Variant type: single nucleotide variant.
Coding change: c.7705G>A on transcript NM_032119.4 (MANE Select); coding-DNA position 7705, G replaced by A.
Protein change: p.Val2569Ile; replaces valine 2569 with isoleucine.
Molecular consequence: missense variant. On other transcripts: non-coding transcript variant (1).
Genome position (GRCh38, 1-based): chr5:90,694,461, G>A. VCF-style: chr5-90694461-G-A. GRCh37 (hg19) VCF-style: chr5-89990278-G-A.
Other names: c.7705G>A (NM_032119.3); short protein forms V2569I.
Identifiers: ClinVar variation 999861 (VCV000999861.7), dbSNP rs763494037, ClinGen allele CA3340074.